The following is an entry in ClinVar:

NM_000355.4(TCN2):c.91G>A (p.Val31Ile)

Gene: TCN2 (transcobalamin 2; plus strand). Cytogenetic location: 22q12.2.
Variant type: single nucleotide variant.
Coding change: c.91G>A on transcript NM_000355.4 (MANE Select); coding-DNA position 91, G replaced by A.
Protein change: p.Val31Ile; replaces valine 31 with isoleucine.
Molecular consequence: missense variant.
Genome position (GRCh38, 1-based): chr22:30,610,897, G>A. VCF-style: chr22-30610897-G-A. GRCh37 (hg19) VCF-style: chr22-31006884-G-A.
Other names: c.91G>A, p.Val31Ile (NM_001184726.2); short protein forms V31I.
Identifiers: ClinVar variation 1043411 (VCV001043411.8), dbSNP rs2087528743, ClinGen allele CA411205630.

ClinVar aggregate classification (germline): Uncertain significance (1 of 4 stars; one submission).

Conditions:
Transcobalamin II deficiency (TCN2D). Also called: TC II DEFICIENCY; TCN2 DEFICIENCY; Transcolabamin II deficiency. Identifiers: Orphanet 859, MedGen C0342701, MONDO:0010149, OMIM 275350.

Submission:

Labcorp Genetics (formerly Invitae), Labcorp
Classification: Uncertain significance for Transcobalamin II deficiency. Last evaluated: 2025-11-03. Review status: criteria provided, single submitter. Criteria: Invitae Variant Classification Sherloc (09022015). Collection method: clinical testing. Allele origin: germline.
Comment: This sequence change replaces valine, which is neutral and non-polar, with isoleucine, which is neutral and non-polar, at codon 31 of the TCN2 protein (p.Val31Ile). This variant is not present in population databases (gnomAD no frequency). This variant has not been reported in the literature in individuals affected with TCN2-related conditions. ClinVar contains an entry for this variant (Variation ID: 1043411). Invitae Evidence Modeling of protein sequence and biophysical properties (such as structural, functional, and spatial information, amino acid conservation, physicochemical variation, residue mobility, and thermodynamic stability) indicates that this missense variant is not expected to disrupt TCN2 protein function with a negative predictive value of 80%. In summary, the available evidence is currently insufficient to determine the role of this variant in disease. Therefore, it has been classified as a Variant of Uncertain Significance.